The following is an entry in ClinVar:

ClinVar aggregate classification (germline): Uncertain significance (1 of 4 stars; one submission).

Conditions:
FREM2-related disorder. Also called: FREM2-related condition.

gnomAD v4.1: 1 of 1,614,108 alleles (0.000062%); no homozygotes.

Submission:

PreventionGenetics, part of Exact Sciences
Classification: Uncertain significance for FREM2-related condition. Last evaluated: 2024-12-04. Review status: criteria provided, single submitter. Criteria: ACMG Guidelines, 2015. Collection method: clinical testing. Allele origin: germline.
Comment: The FREM2 c.8224G>A variant is predicted to result in the amino acid substitution p.Ala2742Thr. To our knowledge, this variant has not been reported in the literature or in a large population database (gnomAD), indicating this variant is rare. At this time, the clinical significance of this variant is uncertain due to the absence of conclusive functional and genetic evidence.

NM_207361.6(FREM2):c.8224G>A (p.Ala2742Thr)

Gene: FREM2 (FRAS1 related extracellular matrix 2; plus strand). Cytogenetic location: 13q13.3.
Variant type: single nucleotide variant.
Coding change: c.8224G>A on transcript NM_207361.6 (MANE Select); coding-DNA position 8224, G replaced by A.
Protein change: p.Ala2742Thr; replaces alanine 2742 with threonine.
Molecular consequence: missense variant.
Genome position (GRCh38, 1-based): chr13:38,874,529, G>A. VCF-style: chr13-38874529-G-A. GRCh37 (hg19) VCF-style: chr13-39448666-G-A.
Other names: short protein forms A2742T.
Identifiers: ClinVar variation 4998110 (VCV004998110.1).